The following is an entry in ClinVar:

NM_001367721.1(CASK):c.279-107C>A

Gene: CASK (calcium/calmodulin dependent serine protein kinase; minus strand). Cytogenetic location: Xp11.4.
Variant type: single nucleotide variant.
Coding change: c.279-107C>A on transcript NM_001367721.1 (MANE Select); 107 bases into the intron before coding-DNA position 279, C replaced by A.
Molecular consequence: intron variant.
Genome position (GRCh38, 1-based): chrX:41,745,708, G>T on the plus strand (C>A on the coding strand, the complement: CASK is on the minus strand). VCF-style: chrX-41745708-G-T. GRCh37 (hg19) VCF-style: chrX-41604961-G-T.
Other names: c.279-107C>A (NM_001126055.3, NM_001410745.1, NM_001126054.3 and 1 more transcripts).
Identifiers: ClinVar variation 681358 (VCV000681358.2), dbSNP rs41305751, ClinGen allele CA329257313.

ClinVar aggregate classification (germline): Benign. Review status: criteria provided, multiple submitters, no conflicts (2 of 4 stars). 2 submissions from 2 submitters: Benign (2). Last evaluated 2018-06-16.

Allele frequency attached by ClinVar (database versions not stated): 1000 Genomes Project 30x 0.06243; 1000 Genomes Project 0.06649; TOPMed 0.07017; gnomAD 0.07641 and 0.07672.

Submissions (2):

GeneDx
Classification: Benign. Last evaluated: 2018-06-16. Review status: criteria provided, single submitter. Criteria: GeneDx Variant Classification (06012015). Collection method: clinical testing. Allele origin: germline. Affected: yes.
Comment: This variant is considered likely benign or benign based on one or more of the following criteria: it is a conservative change, it occurs at a poorly conserved position in the protein, it is predicted to be benign by multiple in silico algorithms, and/or has population frequency not consistent with disease.

Breakthrough Genomics
Classification: Benign. Review status: criteria provided, single submitter. Criteria: ACMG Guidelines, 2015. Collection method: not provided. Allele origin: germline. Inheritance: X-linked inheritance. Affected: yes.